The following is an entry in ClinVar:

NM_000059.4(BRCA2):c.9985A>C (p.Asn3329His)

Gene: BRCA2 (BRCA2 DNA repair associated; plus strand). Cytogenetic location: 13q13.1.
Variant type: single nucleotide variant.
Coding change: c.9985A>C on transcript NM_000059.4 (MANE Select); coding-DNA position 9985, A replaced by C.
Protein change: p.Asn3329His; replaces asparagine 3329 with histidine.
Molecular consequence: missense variant. On other transcripts: non-coding transcript variant (1).
Genome position (GRCh38, 1-based): chr13:32,398,498, A>C. VCF-style: chr13-32398498-A-C. GRCh37 (hg19) VCF-style: chr13-32972635-A-C.
Other names: c.9889A>C, p.Asn3297His (NM_001406719.1); c.9934A>C, p.Asn3312His (NM_001406720.1); c.5053A>C, p.Asn1685His (NM_001406721.1); c.3568A>C, p.Asn1190His (NM_001406722.1); short protein forms N1685H, N3312H, N1190H, N3297H, N3329H.
Identifiers: ClinVar variation 2875562 (VCV002875562.4), dbSNP rs1566261285, ClinGen allele CA387767571.

ClinVar aggregate classification (germline): Uncertain significance. Review status: criteria provided, multiple submitters, no conflicts (2 of 4 stars). 2 submissions from 2 submitters: Uncertain significance (2). Last evaluated 2024-02-03.

Conditions:
Hereditary cancer-predisposing syndrome. Also called: Neoplastic Syndromes, Hereditary; Hereditary Cancer Syndrome; Hereditary neoplastic syndrome; Tumor predisposition. Identifiers: Orphanet 140162, MedGen C0027672, MeSH D009386, MONDO:0015356.
Hereditary breast ovarian cancer syndrome. Also called: Hereditary breast and ovarian cancer syndrome; Hereditary breast and ovarian cancer; BRCA1- and BRCA2-Associated Hereditary Breast and Ovarian Cancer; Hereditary breast and/or ovarian cancer syndrome; Breast and ovarian cancer; Hereditary breast and ovarian cancer syndrome (HBOC). Identifiers: Orphanet 145, MedGen C0677776, MeSH D061325, MONDO:0003582. Disease mechanism: loss of function.

Submissions (2):

Ambry Genetics
Classification: Uncertain significance for Hereditary cancer-predisposing syndrome. Last evaluated: 2024-02-03. Review status: criteria provided, single submitter. Criteria: Ambry Variant Classification Scheme 2023. Collection method: clinical testing. Allele origin: germline.
Comment: The p.N3329H variant (also known as c.9985A>C), located in coding exon 26 of the BRCA2 gene, results from an A to C substitution at nucleotide position 9985. The asparagine at codon 3329 is replaced by histidine, an amino acid with similar properties. This amino acid position is conserved. In addition, this alteration is predicted to be tolerated by in silico analysis. Based on the available evidence, the clinical significance of this alteration remains unclear.

Labcorp Genetics (formerly Invitae), Labcorp
Classification: Uncertain significance for Hereditary breast ovarian cancer syndrome. Last evaluated: 2023-06-16. Review status: criteria provided, single submitter. Criteria: Invitae Variant Classification Sherloc (09022015). Collection method: clinical testing. Allele origin: germline.
Comment: In summary, the available evidence is currently insufficient to determine the role of this variant in disease. Therefore, it has been classified as a Variant of Uncertain Significance. Advanced modeling of protein sequence and biophysical properties (such as structural, functional, and spatial information, amino acid conservation, physicochemical variation, residue mobility, and thermodynamic stability) performed at Invitae indicates that this missense variant is not expected to disrupt BRCA2 protein function. This variant has not been reported in the literature in individuals affected with BRCA2-related conditions. This variant is not present in population databases (gnomAD no frequency). This sequence change replaces asparagine, which is neutral and polar, with histidine, which is basic and polar, at codon 3329 of the BRCA2 protein (p.Asn3329His).